The following is an entry in ClinVar:

NM_001165963.4(SCN1A):c.5378C>T (p.Thr1793Ile)

Genes: SCN1A (sodium voltage-gated channel alpha subunit 1; minus strand), LOC102724058 (uncharacterized LOC102724058; plus strand). Cytogenetic location: 2q24.3.
Variant type: single nucleotide variant.
Coding change: c.5378C>T on transcript NM_001165963.4 (MANE Select); coding-DNA position 5378, C replaced by T.
Protein change: p.Thr1793Ile; replaces threonine 1793 with isoleucine.
Molecular consequence: missense variant. On other transcripts: non-coding transcript variant (1).
Genome position (GRCh38, 1-based): chr2:165,991,897, G>A on the plus strand (C>T on the coding strand, the complement: SCN1A is on the minus strand). VCF-style: chr2-165991897-G-A. GRCh37 (hg19) VCF-style: chr2-166848407-G-A.
Other names: c.5294C>T, p.Thr1765Ile (NM_001165964.3, NM_001353957.2, NM_001353958.2); c.5378C>T, p.Thr1793Ile (NM_001202435.3, NM_001353948.2); c.5345C>T, p.Thr1782Ile (NM_001353949.2, NM_001353950.2, NM_001353951.2 and 2 more transcripts); c.5342C>T, p.Thr1781Ile (NM_001353954.2, NM_001353955.2); c.5291C>T, p.Thr1764Ile (NM_001353960.2); c.2936C>T, p.Thr979Ile (NM_001353961.2); short protein forms T1781I, T1793I, T1764I, T1765I, T1782I, T979I.
Identifiers: ClinVar variation 3020661 (VCV003020661.3), dbSNP rs1689233012, ClinGen allele CA349067901.

ClinVar aggregate classification (germline): Uncertain significance (1 of 4 stars; one submission).

Conditions:
Early-infantile DEE. Also called: Early infantile epileptic encephalopathy with suppression bursts; Early infantile epileptic encephalopathy; Ohtahara syndrome. Identifiers: Orphanet 1934, MedGen C0393706, MONDO:0800491.

Allele frequency attached by ClinVar (database versions not stated): TOPMed 0.00001.

Submission:

Labcorp Genetics (formerly Invitae), Labcorp
Classification: Uncertain significance for Early-infantile DEE. Last evaluated: 2023-10-09. Review status: criteria provided, single submitter. Criteria: Invitae Variant Classification Sherloc (09022015). Collection method: clinical testing. Allele origin: germline.
Comment: This sequence change replaces threonine, which is neutral and polar, with isoleucine, which is neutral and non-polar, at codon 1793 of the SCN1A protein (p.Thr1793Ile). This variant is not present in population databases (gnomAD no frequency). This variant has not been reported in the literature in individuals affected with SCN1A-related conditions. Advanced modeling of protein sequence and biophysical properties (such as structural, functional, and spatial information, amino acid conservation, physicochemical variation, residue mobility, and thermodynamic stability) performed at Invitae indicates that this missense variant is expected to disrupt SCN1A protein function. In summary, the available evidence is currently insufficient to determine the role of this variant in disease. Therefore, it has been classified as a Variant of Uncertain Significance.